The following is an entry in ClinVar:

ClinVar aggregate classification (germline): Conflicting classifications of pathogenicity. Review status: criteria provided, conflicting classifications (1 of 4 stars). 7 submissions from 7 submitters: Uncertain significance (6); Likely benign (1). Last evaluated 2026-01-21.

Conditions:
Inborn genetic diseases. Identifiers: MedGen C0950123, MeSH D030342.
Cerebellar ataxia, impaired intellectual development, and dysequilibrium syndrome 1. Also called: VLDLR Cerebellar Hypoplasia; Cerebellar hypoplasia and mental retardation with or without quadrupedal locomotion 1; Cerebellar ataxia, intellectual disability, and dysequilibrium syndrome 1; Cerebellar ataxia, mental retardation, and dysequilibrium syndrome 1; CEREBELLAR ATAXIA AND MENTAL RETARDATION WITH OR WITHOUT QUADRUPEDAL LOCOMOTION 1; CEREBELLAR ATAXIA, CONGENITAL, AND MENTAL RETARDATION, AUTOSOMAL RECESSIVE. Identifiers: Orphanet 1766, MedGen C4551552, MONDO:0024542, OMIM 224050.

Allele frequency attached by ClinVar (database versions not stated): gnomAD exomes 0.00013; ExAC 0.00019; ESP Exome Variant Server 0.00023; gnomAD 0.00025 and 0.00026; 1000 Genomes Project 0.00040; TOPMed 0.00046; 1000 Genomes Project 30x 0.00047.
gnomAD v4.1: 210 of 1,614,212 alleles (0.013%); highest among the groups gnomAD compares: Middle Eastern, 0.082%; 2 homozygotes.

Submissions (7):

Labcorp Genetics (formerly Invitae), Labcorp
Classification: Likely benign. Last evaluated: 2026-01-21. Review status: criteria provided, single submitter. Criteria: Invitae Variant Classification Sherloc (09022015). Collection method: clinical testing. Allele origin: germline.

Mayo Clinic Laboratories, Mayo Clinic
Classification: Uncertain significance. Last evaluated: 2025-09-30. Review status: criteria provided, single submitter. Criteria: ACMG Guidelines, 2015. Collection method: clinical testing. Allele origin: germline. Observed: 1 variant allele.

Ambry Genetics
Classification: Uncertain significance for Inborn genetic diseases. Last evaluated: 2022-05-11. Review status: criteria provided, single submitter. Criteria: Ambry Variant Classification Scheme 2023. Collection method: clinical testing. Allele origin: germline.

GeneDx
Classification: Uncertain significance. Last evaluated: 2020-06-17. Review status: criteria provided, single submitter. Criteria: GeneDx Variant Classification Process June 2021. Collection method: clinical testing. Allele origin: germline. Affected: yes.
Comment: In silico analysis supports that this missense variant does not alter protein structure/function; Has not been previously published as pathogenic or benign to our knowledge

Institute of Human Genetics, University of Leipzig Medical Center
Classification: Uncertain significance for Cerebellar ataxia, impaired intellectual development, and dysequilibrium syndrome 1. Last evaluated: 2019-01-01. Review status: criteria provided, single submitter. Criteria: ACMG Guidelines, 2015. Collection method: clinical testing. Allele origin: unknown. Affected: yes.

Illumina Laboratory Services, Illumina
Classification: Uncertain significance for Cerebellar ataxia, impaired intellectual development, and dysequilibrium syndrome 1. Last evaluated: 2018-01-13. Review status: criteria provided, single submitter. Criteria: ICSL Variant Classification Criteria 13 December 2019. Collection method: clinical testing. Allele origin: germline.

Genetic Services Laboratory, University of Chicago
Classification: Uncertain significance. Last evaluated: 2014-10-10. Review status: criteria provided, single submitter. Criteria: ACMG Guidelines, 2015. Collection method: clinical testing. Allele origin: germline.

NM_003383.5(VLDLR):c.1532A>G (p.Asn511Ser)

Gene: VLDLR (very low density lipoprotein receptor; plus strand). Cytogenetic location: 9p24.2.
Variant type: single nucleotide variant.
Coding change: c.1532A>G on transcript NM_003383.5 (MANE Select); coding-DNA position 1532, A replaced by G.
Protein change: p.Asn511Ser; replaces asparagine 511 with serine.
Molecular consequence: missense variant.
Genome position (GRCh38, 1-based): chr9:2,646,381, A>G. VCF-style: chr9-2646381-A-G. GRCh37 (hg19) VCF-style: chr9-2646381-A-G.
Other names: p.Asn511Ser; c.1532A>G, p.Asn511Ser (NM_001018056.3); c.1409A>G, p.Asn470Ser (NM_001322225.2, NM_001322226.2); short protein forms N511S, N470S.
Identifiers: ClinVar variation 212553 (VCV000212553.22), dbSNP rs182216426, ClinGen allele CA208713.